The following is an entry in ClinVar:

ClinVar aggregate classification (germline): Uncertain significance (1 of 4 stars; one submission).

Conditions:
X-linked intellectual disability, Cantagrel type (XLID98). Also called: INTELLECTUAL DEVELOPMENTAL DISORDER, X-LINKED 98. Identifiers: Orphanet 85277, MedGen C3806730, MONDO:0010483, OMIM 300912.

gnomAD v4.1: 1 of 1,211,175 alleles (0.000083%); highest among the groups gnomAD compares: Non-Finnish European, 0.00011%; no homozygotes.

Submission:

Victorian Clinical Genetics Services, Murdoch Childrens Research Institute
Classification: Uncertain significance for X-linked intellectual disability, Cantagrel type. Last evaluated: 2025-07-24. Review status: criteria provided, single submitter. Criteria: ACMG Guidelines, 2015. Collection method: clinical testing. Allele origin: germline. Affected: yes.
Comment: This variant is classified as VUS-3C. Evidence in support of pathogenic classification: Variant is present in gnomAD <0.001 for a dominant condition (v4: 1 heterozygote(s), 0 homozygote(s), 0 hemizygote(s)) . Evidence in support of benign classification: Missense variant predicted to be tolerated by in silico tool(s) or not conserved in placental mammals with a minor amino acid change. Additional information: Variant is predicted to result in a missense amino acid change from Ser to Arg; This variant is hemizygous; This gene is associated with X-linked dominant disease; Alternative amino acid change(s) at the same position are present in gnomAD (v4: 1 heterozygote(s), 0 homozygote(s), 0 hemizygote(s)) ; This variant has no previous evidence of pathogenicity; No published evidence of segregation with disease has been identified for this variant; No published functional evidence has been identified for this variant; No comparable missense variants have previous evidence for pathogenicity; Variant is located in the annotated domain of unknown function (DUF4683) (DECIPHER); Loss of function is a known mechanism of disease in this gene and is associated with intellectual developmental disorder, X-linked 98 (MIM#300912); Variants in this gene are known to have variable expressivity. Males were found to be more severely affected and females tend to have a broader phenotypic spectrum, which is likely due to random X-chromosome inactivation (PMIDs: 27358180, 33144681); Inheritance information for this variant is not currently available in this individual.

Literature cited by the submitters: PubMed 27358180; PubMed 33144681.

NM_001008537.3(NEXMIF):c.1945A>C (p.Ser649Arg)

Gene: NEXMIF (neurite extension and migration factor; minus strand). Cytogenetic location: Xq13.3.
Variant type: single nucleotide variant.
Coding change: c.1945A>C on transcript NM_001008537.3 (MANE Select); coding-DNA position 1945, A replaced by C.
Protein change: p.Ser649Arg; replaces serine 649 with arginine.
Molecular consequence: missense variant.
Genome position (GRCh38, 1-based): chrX:74,742,612, T>G on the plus strand (A>C on the coding strand, the complement: NEXMIF is on the minus strand). VCF-style: chrX-74742612-T-G. GRCh37 (hg19) VCF-style: chrX-73962447-T-G.
Other names: short protein forms S649R.
Identifiers: ClinVar variation 4531353 (VCV004531353.1).